The following is an entry in ClinVar:

NM_006031.6(PCNT):c.9700+138A>G

Gene: PCNT (pericentrin; plus strand). Cytogenetic location: 21q22.3.
Variant type: single nucleotide variant.
Coding change: c.9700+138A>G on transcript NM_006031.6 (MANE Select); 138 bases into the intron after coding-DNA position 9700, A replaced by G.
Molecular consequence: intron variant.
Genome position (GRCh38, 1-based): chr21:46,442,711, A>G. VCF-style: chr21-46442711-A-G. GRCh37 (hg19) VCF-style: chr21-47862624-A-G.
Other names: c.9109+138A>G (NM_001315529.2).
Identifiers: ClinVar variation 667803 (VCV000667803.2), dbSNP rs2839262, ClinGen allele CA14875685.

ClinVar aggregate classification (germline): Benign. Review status: criteria provided, multiple submitters, no conflicts (2 of 4 stars). 2 submissions from 2 submitters: Benign (2). Last evaluated 2018-06-16.

Allele frequency attached by ClinVar (database versions not stated): gnomAD exomes 0.79077; 1000 Genomes Project 0.81470; 1000 Genomes Project 30x 0.81605; gnomAD 0.82477 and 0.82849; TOPMed 0.82920.
gnomAD v4.1: 567,248 of 710,350 alleles (80%); highest among the groups gnomAD compares: African/African-American, 92%; 227,701 homozygotes.

Submissions (2):

GeneDx
Classification: Benign. Last evaluated: 2018-06-16. Review status: criteria provided, single submitter. Criteria: GeneDx Variant Classification (06012015). Collection method: clinical testing. Allele origin: germline. Affected: yes.
Comment: This variant is considered likely benign or benign based on one or more of the following criteria: it is a conservative change, it occurs at a poorly conserved position in the protein, it is predicted to be benign by multiple in silico algorithms, and/or has population frequency not consistent with disease.

Breakthrough Genomics
Classification: Benign. Review status: criteria provided, single submitter. Criteria: ACMG Guidelines, 2015. Collection method: not provided. Allele origin: germline. Inheritance: Autosomal recessive inheritance. Affected: yes.